The following is an entry in ClinVar:

NM_005751.5(AKAP9):c.11189A>G (p.Gln3730Arg)

Gene: AKAP9 (A-kinase anchoring protein 9; plus strand). Cytogenetic location: 7q21.2.
Variant type: single nucleotide variant.
Coding change: c.11189A>G on transcript NM_005751.5 (MANE Select); coding-DNA position 11189, A replaced by G.
Protein change: p.Gln3730Arg; replaces glutamine 3730 with arginine.
Molecular consequence: missense variant.
Genome position (GRCh38, 1-based): chr7:92,102,685, A>G. VCF-style: chr7-92102685-A-G. GRCh37 (hg19) VCF-style: chr7-91731999-A-G.
Other names: p.Gln3730Arg; c.5834A>G, p.Gln1945Arg (NM_001379277.1); c.11165A>G, p.Gln3722Arg (NM_147185.3); short protein forms Q3730R, Q3722R, Q1945R.
Identifiers: ClinVar variation 527019 (VCV000527019.16), dbSNP rs372297197, ClinGen allele CA161900917.
Genomic context (GRCh38, chr7:92,102,685, plus strand): 5'-GTTTTCGAAAGGCTCTCATTTACCAGAAGAAATACCTGCTGCTGTTACTGGGTGGGTTCC[A>G]GGAATGTGAAGATGCCACCTTGGCCCTGCTTGCCCGGATGGGGGGGCAGCCAGCTTTCAC-3'
Protein context (NP_005742.4, residues 3720-3740): KYLLLLLGGF[Gln3730Arg]ECEDATLALL

ClinVar aggregate classification (germline): Uncertain significance. Review status: criteria provided, multiple submitters, no conflicts (2 of 4 stars). 3 submissions from 3 submitters: Uncertain significance (3). Last evaluated 2025-10-19.

Conditions:
Long QT syndrome (LQTS). Identifiers: MedGen C0023976, MeSH D008133, MONDO:0002442. Disease mechanism: loss of function. Inheritance: Various modes of inheritance.
Cardiovascular phenotype. Identifiers: MedGen CN230736.

Allele frequency attached by ClinVar (database versions not stated): TOPMed 0.00005.
gnomAD v4.1: 22 of 1,614,240 alleles (0.0014%); highest among the groups gnomAD compares: East Asian, 0.0022%; 1 homozygote.

Submissions (3):

Labcorp Genetics (formerly Invitae), Labcorp
Classification: Uncertain significance for Long QT syndrome. Last evaluated: 2025-10-19. Review status: criteria provided, single submitter. Criteria: Invitae Variant Classification Sherloc (09022015). Collection method: clinical testing. Allele origin: germline.
Comment: This sequence change replaces glutamine, which is neutral and polar, with arginine, which is basic and polar, at codon 3730 of the AKAP9 protein (p.Gln3730Arg). This variant is present in population databases (rs372297197, gnomAD 0.007%). This missense change has been observed in individual(s) with sudden death by unknown reasons (PMID: 27332903). ClinVar contains an entry for this variant (Variation ID: 527019). An algorithm developed to predict the effect of missense changes on protein structure and function (PolyPhen-2) suggests that this variant is likely to be disruptive. In summary, the available evidence is currently insufficient to determine the role of this variant in disease. Therefore, it has been classified as a Variant of Uncertain Significance.

Ambry Genetics
Classification: Uncertain significance for Cardiovascular phenotype. Last evaluated: 2025-06-01. Review status: criteria provided, single submitter. Criteria: Ambry Variant Classification Scheme 2023. Collection method: clinical testing. Allele origin: germline.
Comment: The p.Q3730R variant (also known as c.11189A>G), located in coding exon 46 of the AKAP9 gene, results from an A to G substitution at nucleotide position 11189. The glutamine at codon 3730 is replaced by arginine, an amino acid with highly similar properties. This variant was detected in a sudden unexplained death case, but clinical details were limited (Bagnall RD et al. N Engl J Med, 2016 Jun;374:2441-52). This amino acid position is highly conserved in available vertebrate species. In addition, the in silico prediction for this alteration is inconclusive. Since supporting evidence is limited at this time, the clinical significance of this alteration remains unclear.

Mayo Clinic Laboratories, Mayo Clinic
Classification: Uncertain significance. Last evaluated: 2021-04-06. Review status: criteria provided, single submitter. Criteria: ACMG Guidelines, 2015. Collection method: clinical testing. Allele origin: germline.

Literature cited by the submitters: PubMed 27332903 (cited by Labcorp Genetics (formerly Invitae), Labcorp and Ambry Genetics).